The following is an entry in ClinVar:

NM_014391.3(ANKRD1):c.346-22_346-21insTT

Gene: ANKRD1 (ankyrin repeat domain 1; minus strand). Cytogenetic location: 10q23.31.
Variant type: Insertion.
Coding change: c.346-22_346-21insTT on transcript NM_014391.3 (MANE Select); 22 bases into the intron before coding-DNA position 346 through 21 bases into the intron before coding-DNA position 346, TT inserted.
Molecular consequence: intron variant.
Genome position: GRCh38 VCF-style: chr10-90918993-T-TAA. GRCh37 (hg19) VCF-style: chr10-92678750-T-TAA.
Identifiers: ClinVar variation 4978518 (VCV004978518.1).

ClinVar aggregate classification (germline): Likely benign (1 of 4 stars; one submission).

Conditions:
ANKRD1-related disorder. Also called: ANKRD1-related condition.

Submission:

PreventionGenetics, part of Exact Sciences
Classification: Likely benign for ANKRD1-related condition. Last evaluated: 2026-06-15. Review status: criteria provided, single submitter. Criteria: ACMG Guidelines, 2015. Collection method: clinical testing. Allele origin: germline.
Comment: This variant is classified as likely benign based on ACMG/AMP sequence variant interpretation guidelines (Richards et al. 2015 PMID: 25741868, with internal and published modifications).